The following is an entry in ClinVar:

ClinVar aggregate classification (germline): Pathogenic (1 of 4 stars; one submission).

Conditions:
Autism spectrum disorder - epilepsy - arthrogryposis syndrome (AMRS). Identifiers: Orphanet 370943, MedGen C3809910, MONDO:0014248, OMIM 615553.

Submission:

Labcorp Genetics (formerly Invitae), Labcorp
Classification: Pathogenic for Autism spectrum disorder - epilepsy - arthrogryposis syndrome. Last evaluated: 2019-04-09. Review status: criteria provided, single submitter. Criteria: Invitae Variant Classification Sherloc (09022015). Collection method: clinical testing. Allele origin: germline.
Comment: For these reasons, this variant has been classified as Pathogenic. Loss-of-function variants in SLC35A3 are known to be pathogenic (PMID: 24031089, 28328131). This variant has not been reported in the literature in individuals with SLC35A3-related conditions. This variant is not present in population databases (ExAC no frequency). This sequence change creates a premature translational stop signal (p.Gln251*) in the SLC35A3 gene. It is expected to result in an absent or disrupted protein product.

Literature cited by the submitters: PubMed 24031089; PubMed 28328131.

NM_012243.3(SLC35A3):c.751C>T (p.Gln251Ter)

Gene: SLC35A3 (solute carrier family 35 member A3; plus strand). Cytogenetic location: 1p21.2.
Variant type: single nucleotide variant.
Coding change: c.751C>T on transcript NM_012243.3 (MANE Select); coding-DNA position 751, C replaced by T.
Protein change: p.Gln251Ter; replaces glutamine 251 with a stop codon.
Molecular consequence: nonsense. On other transcripts: intron variant (1).
Genome position (GRCh38, 1-based): chr1:100,015,418, C>T. VCF-style: chr1-100015418-C-T. GRCh37 (hg19) VCF-style: chr1-100480974-C-T.
Other names: c.877C>T, p.Gln293Ter (NM_001271685.2); c.634+3885C>T (NM_001271684.2); short protein forms Q293*, Q251*.
Identifiers: ClinVar variation 863664 (VCV000863664.7), dbSNP rs1660027548, ClinGen allele CA341316098.
Genomic context (GRCh38, chr1:100,015,418, plus strand): 5'-GTATCAAAGAATGGATTTTTTCAGGGATATAACCGACTGACCTGGATAGTAGTTGTTCTT[C>T]AGGTAAAGCATTTAAAGTCTTAGATTTAATGCTAATAAACTGTATTTTAATATAAAGAAT-3'